The following is an entry in ClinVar:

NM_016026.4(RDH11):c.34C>T (p.Leu12Phe)

Genes: GPHN (gephyrin; plus strand), RDH11 (retinol dehydrogenase 11; minus strand). Cytogenetic location: 14q24.1.
Variant type: single nucleotide variant.
Coding change: c.34C>T on transcript NM_016026.4 (MANE Select); coding-DNA position 34, C replaced by T.
Protein change: p.Leu12Phe; replaces leucine 12 with phenylalanine.
Molecular consequence: missense variant.
Genome position (GRCh38, 1-based): chr14:67,695,670, G>A on the plus strand (C>T on the coding strand, the complement: RDH11 is on the minus strand). VCF-style: chr14-67695670-G-A. GRCh37 (hg19) VCF-style: chr14-68162387-G-A.
Other names: c.34C>T, p.Leu12Phe (NM_001252650.2); short protein forms L12F.
Identifiers: ClinVar variation 1918860 (VCV001918860.2), dbSNP rs774280448, ClinGen allele CA7238524.

ClinVar aggregate classification (germline): Uncertain significance (1 of 4 stars; one submission).

Allele frequency attached by ClinVar (database versions not stated): ExAC 0.00001; gnomAD 0.00003; gnomAD exomes 0.00003; TOPMed 0.00004.
gnomAD v4.1: 45 of 1,614,092 alleles (0.0028%); highest among the groups gnomAD compares: Non-Finnish European, 0.0036%; no homozygotes.

Submission:

Labcorp Genetics (formerly Invitae), Labcorp
Classification: Uncertain significance. Last evaluated: 2021-12-08. Review status: criteria provided, single submitter. Criteria: Invitae Variant Classification Sherloc (09022015). Collection method: clinical testing. Allele origin: germline.
Comment: This sequence change replaces leucine, which is neutral and non-polar, with phenylalanine, which is neutral and non-polar, at codon 12 of the RDH11 protein (p.Leu12Phe). This variant is present in population databases (rs774280448, gnomAD 0.003%). This variant has not been reported in the literature in individuals affected with RDH11-related conditions. Algorithms developed to predict the effect of missense changes on protein structure and function output the following: SIFT: "Tolerated"; PolyPhen-2: "Possibly Damaging"; Align-GVGD: "Class C0". The phenylalanine amino acid residue is found in multiple mammalian species, which suggests that this missense change does not adversely affect protein function. In summary, the available evidence is currently insufficient to determine the role of this variant in disease. Therefore, it has been classified as a Variant of Uncertain Significance.